The following is an entry in ClinVar:

ClinVar aggregate classification (germline): Uncertain significance (1 of 4 stars; one submission).

Conditions:
Holoprosencephaly 5 (HPE5). Identifiers: Orphanet 2162, MedGen C1864827, MONDO:0012322, OMIM 609637.

Submission:

Labcorp Genetics (formerly Invitae), Labcorp
Classification: Uncertain significance for Holoprosencephaly 5. Last evaluated: 2025-03-05. Review status: criteria provided, single submitter. Criteria: Invitae Variant Classification Sherloc (09022015). Collection method: clinical testing. Allele origin: germline.
Comment: This variant, c.1392_1403dup, results in the insertion of 4 amino acid(s) of the ZIC2 protein (p.Ala467_Ala470dup), but otherwise preserves the integrity of the reading frame. This variant is not present in population databases (gnomAD no frequency). This variant has not been reported in the literature in individuals affected with ZIC2-related conditions. Experimental studies and prediction algorithms are not available or were not evaluated, and the functional significance of this variant is currently unknown. In summary, the available evidence is currently insufficient to determine the role of this variant in disease. Therefore, it has been classified as a Variant of Uncertain Significance.

NM_007129.5(ZIC2):c.1392_1403dup (p.Ala470_Val471insAlaAlaAlaAla)

Genes: ZIC2 (Zic family zinc finger 2; plus strand), LOC110008580 (Zic family member 2 polyalanine repeat instability region; plus strand). Cytogenetic location: 13q32.3.
Variant type: Duplication.
Coding change: c.1392_1403dup on transcript NM_007129.5 (MANE Select); coding-DNA positions 1392 to 1403, 12 bases duplicated (TGCGGCGGCGGC).
Protein change: p.Ala470_Val471insAlaAlaAlaAla.
Genome position (GRCh38, 1-based): chr13:99,985,475-99,985,486, TGCGGCGGCGGC duplicated; duplicating any 12 consecutive bases within chr13:99,985,464-99,985,486 gives the same sequence; the c. name uses the placement nearest the transcript's 3' end. VCF-style (leftmost placement, unchanged base first): chr13-99985463-G-GGCGGCGGCGGCT. GRCh37 (hg19) VCF-style: chr13-100637717-G-GGCGGCGGCGGCT.
Identifiers: ClinVar variation 3686510 (VCV003686510.2).